The following is an entry in ClinVar:

NM_014915.3(ANKRD26):c.866_867delinsTT (p.Arg289Ile)

Gene: ANKRD26 (ankyrin repeat domain 26; minus strand). Cytogenetic location: 10p12.1.
Variant type: Indel.
Coding change: c.866_867delinsTT on transcript NM_014915.3 (MANE Select); coding-DNA positions 866 to 867, GG replaced by TT.
Protein change: p.Arg289Ile; replaces arginine 289 with isoleucine.
Molecular consequence: missense variant.
Genome position (GRCh38, 1-based): chr10:27,077,640-27,077,641, CC replaced by AA on the plus strand (GG replaced by TT on the coding strand, the reverse complement: ANKRD26 is on the minus strand). VCF-style: chr10-27077640-CC-AA. GRCh37 (hg19) VCF-style: chr10-27366569-CC-AA.
Other names: c.866_867delinsTT, p.Arg289Ile (NM_001256053.2); short protein forms R289I.
Identifiers: ClinVar variation 4848911 (VCV004848911.1).

ClinVar aggregate classification (germline): Uncertain significance (1 of 4 stars; one submission).

Submission:

Women's Health and Genetics/Laboratory Corporation of America, LabCorp
Classification: Uncertain significance. Last evaluated: 2026-04-03. Review status: criteria provided, single submitter. Criteria: LabCorp Variant Classification Summary - May 2015. Collection method: clinical testing. Allele origin: germline.
Comment: Variant summary: ANKRD26 c.866_867delinsTT (p.Arg289Ile) results in a non-conservative amino acid change in the encoded protein sequence. Algorithms developed to predict the effect of missense changes on protein structure and function are either unavailable or do not agree on the potential impact of this missense change. The variant was absent in 249122 control chromosomes. The available data on variant occurrences in the general population are insufficient to allow any conclusion about variant significance. To our knowledge, no occurrence of c.866_867delinsTT in individuals affected with ANKRD26-related conditions and no experimental evidence demonstrating its impact on protein function have been reported. No submitters have cited clinical-significance assessments for this variant to ClinVar. Based on the evidence outlined above, the variant was classified as uncertain significance.